The following is an entry in ClinVar:

NM_020754.4(ARHGAP31):c.450T>C (p.Ile150=)

Gene: ARHGAP31 (Rho GTPase activating protein 31; plus strand). Cytogenetic location: 3q13.33.
Variant type: single nucleotide variant.
Coding change: c.450T>C on transcript NM_020754.4 (MANE Select); coding-DNA position 450, T replaced by C.
Protein change: p.Ile150=; no amino-acid change (isoleucine 150 retained).
Molecular consequence: synonymous variant.
Genome position (GRCh38, 1-based): chr3:119,382,310, T>C. VCF-style: chr3-119382310-T-C. GRCh37 (hg19) VCF-style: chr3-119101157-T-C.
Identifiers: ClinVar variation 4998383 (VCV004998383.1).
Genomic context (GRCh38, chr3:119,382,310, plus strand): 5'-GCACTGAAGTTTCTTACTTTGTCAAAAAACAAACCATTCTAGGACCTTGGAATACCTGAT[T>C]CGACACCTGGCCCATATCGCCTCCTTCAGCAGCAAGACCAACATGCACGCCCGGAACCTG-3'
Protein context (NP_065805.2, residues 140-160): PSHYRTLEYL[Ile150=]RHLAHIASFS

ClinVar aggregate classification (germline): Likely benign (1 of 4 stars; one submission).

Conditions:
ARHGAP31-related disorder. Also called: ARHGAP31-related condition.

gnomAD v4.1: 3 of 1,614,178 alleles (0.00019%); highest among the groups gnomAD compares: Non-Finnish European, 0.00017%; no homozygotes.

Submission:

PreventionGenetics, part of Exact Sciences
Classification: Likely benign for ARHGAP31-related condition. Last evaluated: 2025-03-01. Review status: criteria provided, single submitter. Criteria: ACMG Guidelines, 2015. Collection method: clinical testing. Allele origin: germline.
Comment: This variant is classified as likely benign based on ACMG/AMP sequence variant interpretation guidelines (Richards et al. 2015 PMID: 25741868, with internal and published modifications).